The following is an entry in ClinVar:

ClinVar aggregate classification (germline): Uncertain significance (1 of 4 stars; one submission).

Conditions:
Hereditary cancer-predisposing syndrome. Also called: Hereditary neoplastic syndrome; Hereditary Cancer Syndrome; Tumor predisposition; Neoplastic Syndromes, Hereditary. Identifiers: Orphanet 140162, MedGen C0027672, MeSH D009386, MONDO:0015356.

Submission:

Labcorp Genetics (formerly Invitae), Labcorp
Classification: Uncertain significance for Hereditary cancer-predisposing syndrome. Last evaluated: 2022-05-04. Review status: criteria provided, single submitter. Criteria: Invitae Variant Classification Sherloc (09022015). Collection method: clinical testing. Allele origin: germline.
Comment: This sequence change replaces glycine, which is neutral and non-polar, with alanine, which is neutral and non-polar, at codon 1191 of the RAD50 protein (p.Gly1191Ala). This variant is not present in population databases (gnomAD no frequency). In summary, the available evidence is currently insufficient to determine the role of this variant in disease. Therefore, it has been classified as a Variant of Uncertain Significance. Algorithms developed to predict the effect of missense changes on protein structure and function are either unavailable or do not agree on the potential impact of this missense change (SIFT: "Tolerated"; PolyPhen-2: "Probably Damaging"; Align-GVGD: "Class C0"). This variant has not been reported in the literature in individuals affected with RAD50-related conditions.

NM_005732.4(RAD50):c.3572G>C (p.Gly1191Ala)

Genes: RAD50 (RAD50 double strand break repair protein; plus strand), TH2-LCR (Th2 cytokine locus control region; plus strand), TH2LCRR (T helper type 2 locus control region associated RNA; minus strand). Cytogenetic location: 5q31.1.
Variant type: single nucleotide variant.
Coding change: c.3572G>C on transcript NM_005732.4 (MANE Select); coding-DNA position 3572, G replaced by C.
Protein change: p.Gly1191Ala; replaces glycine 1191 with alanine.
Molecular consequence: missense variant. On other transcripts: non-coding transcript variant (3).
Genome position (GRCh38, 1-based): chr5:132,638,177, G>C. VCF-style: chr5-132638177-G-C. GRCh37 (hg19) VCF-style: chr5-131973869-G-C.
Other names: short protein forms G1191A.
Identifiers: ClinVar variation 2133887 (VCV002133887.4), dbSNP rs2479427932, ClinGen allele CA360932124.